The following is an entry in ClinVar:

NM_001148.6(ANK2):c.8447G>A (p.Gly2816Asp)

Gene: ANK2 (ankyrin 2; plus strand). Cytogenetic location: 4q26.
Variant type: single nucleotide variant.
Coding change: c.8447G>A on transcript NM_001148.6 (MANE Select); coding-DNA position 8447, G replaced by A.
Protein change: p.Gly2816Asp; replaces glycine 2816 with aspartic acid.
Molecular consequence: missense variant. On other transcripts: intron variant (68).
Genome position (GRCh38, 1-based): chr4:113,357,065, G>A. VCF-style: chr4-113357065-G-A. GRCh37 (hg19) VCF-style: chr4-114278221-G-A.
Other names: c.8213G>A, p.Gly2738Asp (NM_001386142.1); c.4847G>A, p.Gly1616Asp (NM_001386166.1); c.8588G>A, p.Gly2863Asp (NM_001386174.1); c.8564G>A, p.Gly2855Asp (NM_001386175.1); c.4412-3758G>A (NM_001386186.2, NM_001386148.2); c.4214-3758G>A (NM_001354269.3); c.4292-3758G>A (NM_001386187.2); c.4253-3758G>A (NM_001386147.1); and 35 more; short protein forms G2816D, G1616D, G2738D, G2855D, G2863D.
Identifiers: ClinVar variation 191414 (VCV000191414.9), dbSNP rs199538455, ClinGen allele CA236573.

ClinVar aggregate classification (germline): Conflicting classifications of pathogenicity. Review status: criteria provided, conflicting classifications (1 of 4 stars). 3 submissions from 3 submitters: Uncertain significance (2); Likely benign (1). Last evaluated 2024-05-31.

Conditions:
Cardiovascular phenotype. Identifiers: MedGen CN230736.
Long QT syndrome (LQTS). Identifiers: MedGen C0023976, MeSH D008133, MONDO:0002442. Disease mechanism: loss of function. Inheritance: Various modes of inheritance.

Allele frequency attached by ClinVar (database versions not stated): gnomAD exomes 0.00001; ESP Exome Variant Server 0.00008; TOPMed 0.00001; gnomAD 0.00001; ExAC 0.00001.
gnomAD v4.1: 20 of 1,613,894 alleles (0.0012%); highest among the groups gnomAD compares: Middle Eastern, 0.016%; no homozygotes.

Submissions (3):

Labcorp Genetics (formerly Invitae), Labcorp
Classification: Uncertain significance for Long QT syndrome. Last evaluated: 2024-05-31. Review status: criteria provided, single submitter. Criteria: Invitae Variant Classification Sherloc (09022015). Collection method: clinical testing. Allele origin: germline.
Comment: This sequence change replaces glycine, which is neutral and non-polar, with aspartic acid, which is acidic and polar, at codon 2816 of the ANK2 protein (p.Gly2816Asp). This variant is present in population databases (rs199538455, gnomAD 0.002%). This variant has not been reported in the literature in individuals affected with ANK2-related conditions. ClinVar contains an entry for this variant (Variation ID: 191414). Algorithms developed to predict the effect of missense changes on protein structure and function output the following: SIFT: "Not Available"; PolyPhen-2: "Benign"; Align-GVGD: "Not Available". The aspartic acid amino acid residue is found in multiple mammalian species, which suggests that this missense change does not adversely affect protein function. In summary, the available evidence is currently insufficient to determine the role of this variant in disease. Therefore, it has been classified as a Variant of Uncertain Significance.

Ambry Genetics
Classification: Likely benign for Cardiovascular phenotype. Last evaluated: 2021-06-14. Review status: criteria provided, single submitter. Criteria: Ambry Variant Classification Scheme 2023. Collection method: clinical testing. Allele origin: germline.

Biesecker Lab/Clinical Genomics Section, National Institutes of Health
Classification: Uncertain significance. Last evaluated: 2013-06-24. Review status: criteria provided, single submitter. Criteria: Ng et al. (Circ Cardiovasc Genet. 2013). Collection method: research. Allele origin: unknown. Observed: 1 variant allele. Study: ClinSeq.
Comment: The study set was not selected for affection status in relation to any cancer. Pathogenicity categories were based on literature curation. See Pubmed ID:23861362 for details.

Medical sequencing

Literature cited by the submitters: PubMed 23861362 (cited by Ambry Genetics).